The following is an entry in ClinVar:

ClinVar aggregate classification (germline): Uncertain significance (1 of 4 stars; one submission).

Submission:

Labcorp Genetics (formerly Invitae), Labcorp
Classification: Uncertain significance. Last evaluated: 2024-02-07. Review status: criteria provided, single submitter. Criteria: Invitae Variant Classification Sherloc (09022015). Collection method: clinical testing. Allele origin: germline.
Comment: This sequence change replaces proline, which is neutral and non-polar, with serine, which is neutral and polar, at codon 378 of the PPP2R1A protein (p.Pro378Ser). This variant is not present in population databases (gnomAD no frequency). This variant has not been reported in the literature in individuals affected with PPP2R1A-related conditions. Advanced modeling of protein sequence and biophysical properties (such as structural, functional, and spatial information, amino acid conservation, physicochemical variation, residue mobility, and thermodynamic stability) performed at Invitae indicates that this missense variant is not expected to disrupt PPP2R1A protein function with a negative predictive value of 80%. In summary, the available evidence is currently insufficient to determine the role of this variant in disease. Therefore, it has been classified as a Variant of Uncertain Significance.

NM_014225.6(PPP2R1A):c.1132C>T (p.Pro378Ser)

Gene: PPP2R1A (protein phosphatase 2 scaffold subunit Aalpha; plus strand). Cytogenetic location: 19q13.41.
Variant type: single nucleotide variant.
Coding change: c.1132C>T on transcript NM_014225.6 (MANE Select); coding-DNA position 1132, C replaced by T.
Protein change: p.Pro378Ser; replaces proline 378 with serine.
Molecular consequence: missense variant. On other transcripts: non-coding transcript variant (1).
Genome position (GRCh38, 1-based): chr19:52,219,694, C>T. VCF-style: chr19-52219694-C-T. GRCh37 (hg19) VCF-style: chr19-52722947-C-T.
Other names: c.595C>T, p.Pro199Ser (NM_001363656.2); short protein forms P378S, P199S.
Identifiers: ClinVar variation 3639417 (VCV003639417.2).